The following is an entry in ClinVar:

NM_181783.4(TMTC3):c.235C>T (p.Arg79Cys)

Gene: TMTC3 (transmembrane O-mannosyltransferase targeting cadherins 3; plus strand). Cytogenetic location: 12q21.32.
Variant type: single nucleotide variant.
Coding change: c.235C>T on transcript NM_181783.4 (MANE Select); coding-DNA position 235, C replaced by T.
Protein change: p.Arg79Cys; replaces arginine 79 with cysteine.
Molecular consequence: missense variant. On other transcripts: 5 prime UTR variant (1), non-coding transcript variant (1), intron variant (2).
Genome position (GRCh38, 1-based): chr12:88,153,336, C>T. VCF-style: chr12-88153336-C-T. GRCh37 (hg19) VCF-style: chr12-88547113-C-T.
Other names: c.55C>T, p.Arg19Cys (NM_001366574.1); c.-33C>T (NM_001366580.1); c.190-952C>T (NM_001366579.1); c.-285-952C>T (NM_001366583.1); short protein forms R79C, R19C.
Identifiers: ClinVar variation 1482338 (VCV001482338.6), dbSNP rs768991210, ClinGen allele CA6713002.

ClinVar aggregate classification (germline): Uncertain significance (1 of 4 stars; one submission).

Allele frequency attached by ClinVar (database versions not stated): TOPMed below 0.00001; ExAC 0.00001; gnomAD exomes 0.00001.

Submission:

Labcorp Genetics (formerly Invitae), Labcorp
Classification: Uncertain significance. Last evaluated: 2022-08-15. Review status: criteria provided, single submitter. Criteria: Invitae Variant Classification Sherloc (09022015). Collection method: clinical testing. Allele origin: germline.
Comment: This sequence change replaces arginine, which is basic and polar, with cysteine, which is neutral and slightly polar, at codon 79 of the TMTC3 protein (p.Arg79Cys). This variant is present in population databases (rs768991210, gnomAD 0.003%). This variant has not been reported in the literature in individuals affected with TMTC3-related conditions. ClinVar contains an entry for this variant (Variation ID: 1482338). Algorithms developed to predict the effect of missense changes on protein structure and function are either unavailable or do not agree on the potential impact of this missense change (SIFT: "Deleterious"; PolyPhen-2: "Probably Damaging"; Align-GVGD: "Class C0"). In summary, the available evidence is currently insufficient to determine the role of this variant in disease. Therefore, it has been classified as a Variant of Uncertain Significance.